The following is an entry in ClinVar:

NM_000245.4(MET):c.3287C>T (p.Thr1096Ile)

Gene: MET (MET proto-oncogene, receptor tyrosine kinase; plus strand). Cytogenetic location: 7q31.2.
Variant type: single nucleotide variant.
Coding change: c.3287C>T on transcript NM_000245.4 (MANE Select); coding-DNA position 3287, C replaced by T.
Protein change: p.Thr1096Ile; replaces threonine 1096 with isoleucine.
Molecular consequence: missense variant.
Genome position (GRCh38, 1-based): chr7:116,777,416, C>T. VCF-style: chr7-116777416-C-T. GRCh37 (hg19) VCF-style: chr7-116417470-C-T.
Other names: c.3341C>T (LRG_662t1); c.3341C>T, p.Thr1114Ile (NM_001127500.3); c.1997C>T, p.Thr666Ile (NM_001324402.2); c.3287C>T (NM_000245.2); short protein forms T666I, T1096I, T1114I.
Identifiers: ClinVar variation 651432 (VCV000651432.11), dbSNP rs45592846, ClinGen allele CA368989621.

ClinVar aggregate classification (germline): Uncertain significance. Review status: criteria provided, multiple submitters, no conflicts (2 of 4 stars). 2 submissions from 2 submitters: Uncertain significance (2). Last evaluated 2026-07-07.

Conditions:
Renal cell carcinoma. Identifiers: Orphanet 217071, MedGen C0007134, MeSH D002292, MONDO:0005086, HP:0005584.
Hereditary cancer-predisposing syndrome. Also called: Neoplastic Syndromes, Hereditary; Hereditary Cancer Syndrome; Hereditary neoplastic syndrome; Tumor predisposition. Identifiers: Orphanet 140162, MedGen C0027672, MeSH D009386, MONDO:0015356.

Submissions (2):

Ambry Genetics
Classification: Uncertain significance for Hereditary cancer-predisposing syndrome. Last evaluated: 2026-07-07. Review status: criteria provided, single submitter. Criteria: Ambry Variant Classification Scheme 2023. Collection method: clinical testing. Allele origin: germline.
Comment: The p.T1096I variant (also known as c.3287C>T), located in coding exon 15 of the MET gene, results from a C to T substitution at nucleotide position 3287. The threonine at codon 1096 is replaced by isoleucine, an amino acid with similar properties. This amino acid position is conserved. In addition, the in silico prediction for this alteration is inconclusive. Based on the available evidence, the clinical significance of this variant remains unclear.

Labcorp Genetics (formerly Invitae), Labcorp
Classification: Uncertain significance for Renal cell carcinoma. Last evaluated: 2022-04-30. Review status: criteria provided, single submitter. Criteria: Invitae Variant Classification Sherloc (09022015). Collection method: clinical testing. Allele origin: germline.
Comment: In summary, the available evidence is currently insufficient to determine the role of this variant in disease. Therefore, it has been classified as a Variant of Uncertain Significance. Advanced modeling of protein sequence and biophysical properties (such as structural, functional, and spatial information, amino acid conservation, physicochemical variation, residue mobility, and thermodynamic stability) performed at Invitae indicates that this missense variant is expected to disrupt MET protein function. ClinVar contains an entry for this variant (Variation ID: 651432). This variant has not been reported in the literature in individuals affected with MET-related conditions. This variant is not present in population databases (gnomAD no frequency). This sequence change replaces threonine, which is neutral and polar, with isoleucine, which is neutral and non-polar, at codon 1114 of the MET protein (p.Thr1114Ile).